The following is an entry in ClinVar:

NM_003321.5(TUFM):c.*561A>T

Gene: TUFM (Tu translation elongation factor, mitochondrial; minus strand). Cytogenetic location: 16p11.2.
Variant type: single nucleotide variant.
Coding change: c.*561A>T on transcript NM_003321.5 (MANE Select); 561 bases downstream of the stop codon, A replaced by T.
Molecular consequence: 3 prime UTR variant.
Genome position (GRCh38, 1-based): chr16:28,842,414, T>A on the plus strand (A>T on the coding strand, the complement: TUFM is on the minus strand). VCF-style: chr16-28842414-T-A. GRCh37 (hg19) VCF-style: chr16-28853735-T-A.
Other names: c.*561A>T (NM_001365360.2).
Identifiers: ClinVar variation 318732 (VCV000318732.33), dbSNP rs184878749, ClinGen allele CA10637495.

ClinVar aggregate classification (germline): Conflicting classifications of pathogenicity. Review status: criteria provided, conflicting classifications (1 of 4 stars). 2 submissions from 2 submitters: Uncertain significance (1); Likely benign (1). Last evaluated 2023-06-01.

Conditions:
Combined oxidative phosphorylation defect type 4. Identifiers: Orphanet 254925, MedGen C1857682, MONDO:0012534, OMIM 610678.

Allele frequency attached by ClinVar (database versions not stated): 1000 Genomes Project 30x 0.00234; 1000 Genomes Project 0.00260; gnomAD exomes 0.00304; gnomAD 0.00428 and 0.00435; TOPMed 0.00475.
gnomAD v4.1: 725 of 175,764 alleles (0.41%); highest among the groups gnomAD compares: Middle Eastern, 0.82%; 5 homozygotes.

Submissions (2):

CeGaT Center for Human Genetics Tuebingen
Classification: Likely benign. Last evaluated: 2023-06-01. Review status: criteria provided, single submitter. Criteria: CeGaT Center For Human Genetics Tuebingen Variant Classification Criteria Version 2. Collection method: clinical testing. Allele origin: germline. Affected: yes. Observed: 4 variant alleles.
Comment: TUFM: BS2

Illumina Laboratory Services, Illumina
Classification: Uncertain significance for Combined oxidative phosphorylation defect type 4. Last evaluated: 2018-01-12. Review status: criteria provided, single submitter. Criteria: ICSL Variant Classification Criteria 13 December 2019. Collection method: clinical testing. Allele origin: germline.